The following is an entry in ClinVar:

ClinVar aggregate classification (germline): Likely benign (0 of 4 stars; one submission).

Conditions:
ACADL-related disorder. Also called: ACADL-related condition.

Allele frequency attached by ClinVar (database versions not stated): gnomAD 0.00003; TOPMed 0.00005; ExAC 0.00006.
gnomAD v4.1: 37 of 1,604,658 alleles (0.0023%); highest among the groups gnomAD compares: East Asian, 0.0067%; no homozygotes.

Submission:

PreventionGenetics, part of Exact Sciences
Classification: Likely benign for ACADL-related condition. Last evaluated: 2021-02-10. Review status: no assertion criteria provided. Collection method: clinical testing. Allele origin: germline.
Comment: This variant is classified as likely benign based on ACMG/AMP sequence variant interpretation guidelines (Richards et al. 2015 PMID: 25741868, with internal and published modifications).

NM_001608.4(ACADL):c.90C>T (p.Ser30=)

Gene: ACADL (acyl-CoA dehydrogenase long chain; minus strand). Cytogenetic location: 2q34.
Variant type: single nucleotide variant.
Coding change: c.90C>T on transcript NM_001608.4 (MANE Select); coding-DNA position 90, C replaced by T.
Protein change: p.Ser30=; no amino-acid change (serine 30 retained).
Molecular consequence: synonymous variant.
Genome position (GRCh38, 1-based): chr2:210,220,790, G>A on the plus strand (C>T on the coding strand, the complement: ACADL is on the minus strand). VCF-style: chr2-210220790-G-A. GRCh37 (hg19) VCF-style: chr2-211085514-G-A.
Identifiers: ClinVar variation 3029948 (VCV003029948.2), dbSNP rs755556107, ClinGen allele CA2085117.